The following is an entry in ClinVar:

NM_203446.3(SYNJ1):c.3042T>A (p.Asp1014Glu)

Gene: SYNJ1 (synaptojanin 1; minus strand). Cytogenetic location: 21q22.11.
Variant type: single nucleotide variant.
Coding change: c.3042T>A on transcript NM_203446.3 (MANE Select); coding-DNA position 3042, T replaced by A.
Protein change: p.Asp1014Glu; replaces aspartic acid 1014 with glutamic acid.
Molecular consequence: missense variant.
Genome position (GRCh38, 1-based): chr21:32,646,598, A>T on the plus strand (T>A on the coding strand, the complement: SYNJ1 is on the minus strand). VCF-style: chr21-32646598-A-T. GRCh37 (hg19) VCF-style: chr21-34018908-A-T.
Other names: c.3042T>A, p.Asp1014Glu (NM_001160302.2); c.3027T>A, p.Asp1009Glu (NM_001160306.2); c.3159T>A, p.Asp1053Glu (NM_003895.4); short protein forms D1053E, D1009E, D1014E.
Identifiers: ClinVar variation 855210 (VCV000855210.9), dbSNP rs115353088, ClinGen allele CA10003514.

ClinVar aggregate classification (germline): Uncertain significance. Review status: criteria provided, multiple submitters, no conflicts (2 of 4 stars). 3 submissions from 3 submitters: Uncertain significance (3). Last evaluated 2026-06-15.

Conditions:
Developmental and epileptic encephalopathy, 53. Also called: Epileptic encephalopathy, early infantile, 53. Identifiers: MedGen C4479313, MONDO:0033362, OMIM 617389.
Early-onset Parkinson disease 20. Also called: PARKINSON DISEASE 20, AUTOSOMAL RECESSIVE EARLY-ONSET. Identifiers: Orphanet 391411, MedGen C3809824, MONDO:0014233, OMIM 615530.

Allele frequency attached by ClinVar (database versions not stated): gnomAD 0.00001 and 0.00003; gnomAD exomes 0.00002 and 0.00004; TOPMed 0.00003; ExAC 0.00004; 1000 Genomes Project 30x 0.00016; 1000 Genomes Project 0.00020.
gnomAD v4.1: 32 of 1,613,554 alleles (0.002%); highest among the groups gnomAD compares: East Asian, 0.069%; no homozygotes.

Submissions (3):

Women's Health and Genetics/Laboratory Corporation of America, LabCorp
Classification: Uncertain significance. Last evaluated: 2026-06-15. Review status: criteria provided, single submitter. Criteria: LabCorp Variant Classification Summary - May 2015. Collection method: clinical testing. Allele origin: germline.
Comment: Variant summary: SYNJ1 c.3159T>A (p.Asp1053Glu) results in a conservative amino acid change in the encoded protein sequence. Algorithms developed to predict the effect of missense changes on protein structure and function are either unavailable or do not agree on the potential impact of this missense change. The variant allele was found at a frequency of 4.4e-05 in 251368 control chromosomes. This frequency is not significantly higher than estimated for disease-causing variants in SYNJ1, allowing no conclusion about variant significance. To our knowledge, no occurrence of c.3159T>A in individuals affected with SYNJ1-related conditions and no experimental evidence demonstrating its impact on protein function have been reported. ClinVar contains an entry for this variant (Variation ID: 855210). Based on the evidence outlined above, the variant was classified as uncertain significance.

GeneDx
Classification: Uncertain significance. Last evaluated: 2025-02-13. Review status: criteria provided, single submitter. Criteria: GeneDx Variant Classification Process June 2021. Collection method: clinical testing. Allele origin: germline. Affected: yes.
Comment: Reported previously in a control cohort of individuals who did not have biphosphonate-related osteonecrosis of jaw and has not been previously reported as pathogenic or benign in association with neurodevelopmental disorders to our knowledge (PMID: 25668207); In silico analysis indicates that this missense variant does not alter protein structure/function; This variant is associated with the following publications: (PMID: 29340042, 25668207)

Labcorp Genetics (formerly Invitae), Labcorp
Classification: Uncertain significance for Developmental and epileptic encephalopathy, 53; Early-onset Parkinson disease 20. Last evaluated: 2024-05-13. Review status: criteria provided, single submitter. Criteria: Invitae Variant Classification Sherloc (09022015). Collection method: clinical testing. Allele origin: germline.
Comment: This sequence change replaces aspartic acid, which is acidic and polar, with glutamic acid, which is acidic and polar, at codon 1053 of the SYNJ1 protein (p.Asp1053Glu). This variant is present in population databases (rs115353088, gnomAD 0.05%). This variant has not been reported in the literature in individuals affected with SYNJ1-related conditions. ClinVar contains an entry for this variant (Variation ID: 855210). Advanced modeling of protein sequence and biophysical properties (such as structural, functional, and spatial information, amino acid conservation, physicochemical variation, residue mobility, and thermodynamic stability) performed at Invitae indicates that this missense variant is not expected to disrupt SYNJ1 protein function with a negative predictive value of 80%. In summary, the available evidence is currently insufficient to determine the role of this variant in disease. Therefore, it has been classified as a Variant of Uncertain Significance.